The following is an entry in ClinVar:

ClinVar aggregate classification (germline): Likely pathogenic (1 of 4 stars; one submission).

Conditions:
Primary familial dilated cardiomyopathy (FDC). Also called: Hypokinetic dilated cardiomyopathy, familial; Familial dilated cardiomyopathy. Identifiers: Orphanet 217607, MedGen C0340427, MONDO:0016333.

Submission:

Petrovsky National Research Centre of Surgery, The Federal Agency for Scientific Organizations
Classification: Likely pathogenic for Primary familial dilated cardiomyopathy. Last evaluated: 2026-03-05. Review status: criteria provided, single submitter. Criteria: Submitter's publication. Collection method: clinical testing. Allele origin: germline. Inheritance: Autosomal dominant inheritance. Affected: yes. Observed: 1 variant allele, 1 heterozygote.
Comment: The NM_001267550.2:c.55825del (p.Ser18609ProfsTer41) variant is absent in The Genome Aggregation Database (gnomAD) v2.1.1 and v4.1.0 (Date of access 27-02-2026). This variant has not been reported in any study to our knowledge. NMD in silico predictors show pathogenic result (AutoPVS1, NMDEscPredictor, MasoNMD). In accordance with ACMG(2015) criteria and Variant Interpretation for Dilated Cardiomyopathy: Refinement of the American College of Medical Genetics and Genomics/ClinGen Guidelines for the DCM Precision Medicine Study (doi:10.1161/CIRCGEN.119.002480) this variant is classified as Likely Pathogenic with following criteria selected: PVS1_Strong, PM2.

NM_001267550.2(TTN):c.55825del (p.Ser18609fs)

Genes: TTN (titin; minus strand), TTN-AS1 (TTN antisense RNA 1; plus strand). Cytogenetic location: 2q31.2.
Variant type: Deletion.
Coding change: c.55825del on transcript NM_001267550.2 (MANE Select); coding-DNA position 55825, one base deleted (T; older notation c.55825delT).
Protein change: p.Ser18609fs; shifts the reading frame from serine 18609.
Molecular consequence: frameshift variant.
Genome position (GRCh38, 1-based): chr2:178,601,079, A deleted on the plus strand (T on the coding strand, the reverse complement: TTN is on the minus strand). VCF-style (leftmost placement, unchanged base first): chr2-178601078-GA-G. GRCh37 (hg19) VCF-style: chr2-179465805-GA-G.
Other names: p.Ser18609ProfsTer41; c.50902del, p.Ser16968fs (NM_001256850.1); c.28630del, p.Ser9544fs (NM_003319.4); c.48121del, p.Ser16041fs (NM_133378.4); c.29005del, p.Ser9669fs (NM_133432.3); c.29206del, p.Ser9736fs (NM_133437.4); short protein forms S16041fs, S16968fs, S18609fs, S9544fs, S9669fs, S9736fs.
Identifiers: ClinVar variation 4820111 (VCV004820111.1).
Genomic context (GRCh38, chr2:178,601,078, plus strand): 5'-TCTTTCTTTGTCCCAGTAGGGTCCCATGCAAGGCACTCAACAATATAGTGGGTAACAGGG[GA>G]GCCCCCATCATTCTTCGGGGGTTTCCATGACAGATGCACTGTGTTCTTTGTGATGAGGCC-3'